The following is an entry in ClinVar:

ClinVar aggregate classification (germline): Likely benign. Review status: criteria provided, multiple submitters, no conflicts (2 of 4 stars). 3 submissions from 3 submitters: Likely benign (3). Last evaluated 2025-12-04.

Conditions:
FLNB-related disorder. Also called: FLNB-related condition; FLNB-related disorders. Identifiers: MedGen CN381095.

gnomAD v4.1: 13 of 1,614,074 alleles (0.00081%); highest among the groups gnomAD compares: Admixed American, 0.0033%; no homozygotes.

Submissions (3):

PreventionGenetics, part of Exact Sciences
Classification: Likely benign for FLNB-related condition. Last evaluated: 2025-12-04. Review status: criteria provided, single submitter. Criteria: ACMG Guidelines, 2015. Collection method: clinical testing. Allele origin: germline.
Comment: This variant is classified as likely benign based on ACMG/AMP sequence variant interpretation guidelines (Richards et al. 2015 PMID: 25741868, with internal and published modifications).

Labcorp Genetics (formerly Invitae), Labcorp
Classification: Likely benign. Last evaluated: 2025-03-23. Review status: criteria provided, single submitter. Criteria: Invitae Variant Classification Sherloc (09022015). Collection method: clinical testing. Allele origin: germline.

Blueprint Genetics
Classification: Likely benign. Last evaluated: 2024-05-22. Review status: criteria provided, single submitter. Criteria: ACMG Guidelines, 2015. Collection method: clinical testing. Allele origin: germline.

NM_001457.4(FLNB):c.2130G>A (p.Pro710=)

Gene: FLNB (filamin B; plus strand). Cytogenetic location: 3p14.3.
Variant type: single nucleotide variant.
Coding change: c.2130G>A on transcript NM_001457.4 (MANE Select); coding-DNA position 2130, G replaced by A.
Protein change: p.Pro710=; no amino-acid change (proline 710 retained).
Molecular consequence: synonymous variant.
Genome position (GRCh38, 1-based): chr3:58,109,253, G>A. VCF-style: chr3-58109253-G-A. GRCh37 (hg19) VCF-style: chr3-58094980-G-A.
Other names: c.2130G>A, p.Pro710= (NM_001164317.2, NM_001164318.2, NM_001164319.2); c.2130G>A (NM_001457.3).
Identifiers: ClinVar variation 4701284 (VCV004701284.3).
Genomic context (GRCh38, chr3:58,109,253, plus strand): 5'-ACGCATTGACATCCAGATGAAGAACCGGATGGACGGCACATATGCATGCTCATACACCCC[G>A]GTGAAGGCCATCAAGCACACCATTGCTGTGGTCTGGGGAGGCGTGAACATCCCGCACAGC-3'
Protein context (NP_001448.2, residues 700-720): MDGTYACSYT[Pro710=]VKAIKHTIAV